The following is an entry in ClinVar:

NM_001330078.2(NRXN1):c.588C>T (p.Pro196=)

Gene: NRXN1 (neurexin 1; minus strand). Cytogenetic location: 2p16.3.
Variant type: single nucleotide variant.
Coding change: c.588C>T on transcript NM_001330078.2 (MANE Select); coding-DNA position 588, C replaced by T.
Protein change: p.Pro196=; no amino-acid change (proline 196 retained).
Molecular consequence: synonymous variant.
Genome position (GRCh38, 1-based): chr2:51,027,686, G>A on the plus strand (C>T on the coding strand, the complement: NRXN1 is on the minus strand). VCF-style: chr2-51027686-G-A. GRCh37 (hg19) VCF-style: chr2-51254824-G-A.
Other names: c.588C>T, p.Pro196= (NM_001135659.3, NM_001330077.2, NM_001330079.2 and 15 more transcripts).
Identifiers: ClinVar variation 513437 (VCV000513437.15), dbSNP rs201644834, ClinGen allele CA1655454.

ClinVar aggregate classification (germline): Likely benign. Review status: criteria provided, multiple submitters, no conflicts (2 of 4 stars). 4 submissions from 4 submitters: Likely benign (4). Last evaluated 2025-09-29.

Conditions:
Inborn genetic diseases. Identifiers: MedGen C0950123, MeSH D030342.
Pitt-Hopkins-like syndrome 2 (PTHSL2). Identifiers: Orphanet 221150, Orphanet 600663, MedGen C3280479, MONDO:0013690, OMIM 614325.

Allele frequency attached by ClinVar (database versions not stated): TOPMed 0.00001; 1000 Genomes Project 30x 0.00016; ExAC 0.00016; 1000 Genomes Project 0.00020.
gnomAD v4.1: 84 of 1,604,540 alleles (0.0052%); highest among the groups gnomAD compares: South Asian, 0.069%; 1 homozygote.

Submissions (4):

Labcorp Genetics (formerly Invitae), Labcorp
Classification: Likely benign for Pitt-Hopkins-like syndrome 2. Last evaluated: 2025-09-29. Review status: criteria provided, single submitter. Criteria: Invitae Variant Classification Sherloc (09022015). Collection method: clinical testing. Allele origin: germline.

Blueprint Genetics
Classification: Likely benign. Last evaluated: 2024-10-11. Review status: criteria provided, single submitter. Criteria: ACMG Guidelines, 2015. Collection method: clinical testing. Allele origin: germline.

Ambry Genetics
Classification: Likely benign for Inborn genetic diseases. Last evaluated: 2017-12-20. Review status: criteria provided, single submitter. Criteria: Ambry Variant Classification Scheme 2023. Collection method: clinical testing. Allele origin: germline.

GeneDx
Classification: Likely benign. Last evaluated: 2017-11-16. Review status: criteria provided, single submitter. Criteria: GeneDx Variant Classification (06012015). Collection method: clinical testing. Allele origin: germline. Affected: yes.
Comment: This variant is considered likely benign or benign based on one or more of the following criteria: it is a conservative change, it occurs at a poorly conserved position in the protein, it is predicted to be benign by multiple in silico algorithms, and/or has population frequency not consistent with disease.